The following is an entry in ClinVar:

ClinVar aggregate classification (germline): Uncertain significance (1 of 4 stars; one submission).

Conditions:
Tuberous sclerosis 2 (TSC2). Identifiers: Orphanet 805, MedGen C1860707, MONDO:0013199, OMIM 613254.

Submission:

Labcorp Genetics (formerly Invitae), Labcorp
Classification: Uncertain significance for Tuberous sclerosis 2. Last evaluated: 2022-03-11. Review status: criteria provided, single submitter. Criteria: Invitae Variant Classification Sherloc (09022015). Collection method: clinical testing. Allele origin: germline.
Comment: In summary, the available evidence is currently insufficient to determine the role of this variant in disease. Therefore, it has been classified as a Variant of Uncertain Significance. This sequence change replaces glutamic acid, which is acidic and polar, with glycine, which is neutral and non-polar, at codon 96 of the TSC2 protein (p.Glu96Gly). This variant is not present in population databases (gnomAD no frequency). This variant has not been reported in the literature in individuals affected with TSC2-related conditions. Advanced modeling of protein sequence and biophysical properties (such as structural, functional, and spatial information, amino acid conservation, physicochemical variation, residue mobility, and thermodynamic stability) performed at Invitae indicates that this missense variant is not expected to disrupt TSC2 protein function.

NM_000548.5(TSC2):c.287A>G (p.Glu96Gly)

Gene: TSC2 (TSC complex subunit 2; plus strand). Cytogenetic location: 16p13.3.
Variant type: single nucleotide variant.
Coding change: c.287A>G on transcript NM_000548.5 (MANE Select); coding-DNA position 287, A replaced by G.
Protein change: p.Glu96Gly; replaces glutamic acid 96 with glycine.
Molecular consequence: missense variant. On other transcripts: intron variant (2).
Genome position (GRCh38, 1-based): chr16:2,053,403, A>G. VCF-style: chr16-2053403-A-G. GRCh37 (hg19) VCF-style: chr16-2103404-A-G.
Other names: c.287A>G, p.Glu96Gly (NM_001077183.3, NM_001114382.3, NM_001363528.2 and 3 more transcripts); c.140A>G, p.Glu47Gly (NM_001318829.2); c.320A>G, p.Glu107Gly (NM_001318832.2); c.226-893A>G (NM_001318827.2); c.-1-2793A>G (NM_001318831.2); short protein forms E107G, E96G, E47G.
Identifiers: ClinVar variation 1352607 (VCV001352607.8), dbSNP rs2085369532, ClinGen allele CA394305761.